The following is an entry in ClinVar:

ClinVar aggregate classification (germline): Uncertain significance. Review status: criteria provided, multiple submitters, no conflicts (2 of 4 stars). 2 submissions from 2 submitters: Uncertain significance (2). Last evaluated 2024-10-21.

Allele frequency attached by ClinVar (database versions not stated): ExAC 0.00001; gnomAD exomes 0.00001 and 0.00002; TOPMed 0.00005; gnomAD 0.00008.
gnomAD v4.1: 37 of 1,613,840 alleles (0.0023%); highest among the groups gnomAD compares: African/African-American, 0.015%; no homozygotes.

Submissions (2):

Labcorp Genetics (formerly Invitae), Labcorp
Classification: Uncertain significance. Last evaluated: 2024-10-21. Review status: criteria provided, single submitter. Criteria: Invitae Variant Classification Sherloc (09022015). Collection method: clinical testing. Allele origin: germline.
Comment: This sequence change replaces arginine, which is basic and polar, with glutamine, which is neutral and polar, at codon 618 of the CAPN5 protein (p.Arg618Gln). This variant is present in population databases (rs782506945, gnomAD 0.01%). This variant has not been reported in the literature in individuals affected with CAPN5-related conditions. ClinVar contains an entry for this variant (Variation ID: 1016527). An algorithm developed to predict the effect of missense changes on protein structure and function outputs the following: PolyPhen-2: "Benign". The glutamine amino acid residue is found in multiple mammalian species, which suggests that this missense change does not adversely affect protein function. In summary, the available evidence is currently insufficient to determine the role of this variant in disease. Therefore, it has been classified as a Variant of Uncertain Significance.

Blueprint Genetics
Classification: Uncertain significance. Last evaluated: 2024-09-20. Review status: criteria provided, single submitter. Criteria: ACMG Guidelines, 2015. Collection method: clinical testing. Allele origin: germline.

NM_004055.5(CAPN5):c.1853G>A (p.Arg618Gln)

Gene: CAPN5 (calpain 5; plus strand). Cytogenetic location: 11q13.5.
Variant type: single nucleotide variant.
Coding change: c.1853G>A on transcript NM_004055.5 (MANE Select); coding-DNA position 1853, G replaced by A.
Protein change: p.Arg618Gln; replaces arginine 618 with glutamine.
Molecular consequence: missense variant.
Genome position (GRCh38, 1-based): chr11:77,123,800, G>A. VCF-style: chr11-77123800-G-A. GRCh37 (hg19) VCF-style: chr11-76834846-G-A.
Other names: short protein forms R618Q.
Identifiers: ClinVar variation 1016527 (VCV001016527.9), dbSNP rs782506945, ClinGen allele CA6196938.